The following is an entry in ClinVar:

NM_001048174.2(MUTYH):c.851T>G (p.Val284Gly)

Gene: MUTYH (mutY DNA glycosylase; minus strand). Cytogenetic location: 1p34.1.
Variant type: single nucleotide variant.
Coding change: c.851T>G on transcript NM_001048174.2 (MANE Select); coding-DNA position 851, T replaced by G.
Protein change: p.Val284Gly; replaces valine 284 with glycine.
Molecular consequence: missense variant. On other transcripts: non-coding transcript variant (7).
Genome position (GRCh38, 1-based): chr1:45,332,085, A>C on the plus strand (T>G on the coding strand, the complement: MUTYH is on the minus strand). VCF-style: chr1-45332085-A-C. GRCh37 (hg19) VCF-style: chr1-45797757-A-C.
Other names: c.851T>G, p.Val284Gly (NM_001048171.2, NM_001048173.2, NM_001293195.2 and 6 more transcripts); c.854T>G, p.Val285Gly (NM_001048172.2, NM_001407071.1, NM_001407078.1 and 1 more transcripts); c.935T>G, p.Val312Gly (NM_001128425.2); c.896T>G, p.Val299Gly (NM_001293190.2); c.884T>G, p.Val295Gly (NM_001293191.2, NM_001407069.1, NM_001407077.1); c.575T>G, p.Val192Gly (NM_001293192.2, NM_001293196.2, NM_001407091.1); c.506T>G, p.Val169Gly (NM_001350650.2, NM_001350651.2, NM_001407082.1); c.767T>G, p.Val256Gly (NM_001407075.1); and 5 more; short protein forms V192G, V169G, V271G, V284G, V285G, V291G, V295G, V298G.
Identifiers: ClinVar variation 4113918 (VCV004113918.1).
Genomic context (GRCh38, chr1:45,332,085, plus strand): 5'-CACTCCTCCACGTCAGGACTGCCCGACAGGCTCCCTGAGGCTAAGAGCTGTTCCTGCTCC[A>C]CCTGAGAGGCACAGGGTTGAGTGTCATAGGGCAGAGTCACTCCTTAGGACTTCTCACTGC-3'
Protein context (NP_001041639.1, residues 274-294): VESLCRARQR[Val284Gly]EQEQLLASGS

ClinVar aggregate classification (germline): Uncertain significance (1 of 4 stars; one submission).

Conditions:
Hereditary cancer-predisposing syndrome. Also called: Hereditary neoplastic syndrome; Neoplastic Syndromes, Hereditary; Tumor predisposition; Hereditary Cancer Syndrome. Identifiers: Orphanet 140162, MedGen C0027672, MeSH D009386, MONDO:0015356.

Submission:

Ambry Genetics
Classification: Uncertain significance for Hereditary cancer-predisposing syndrome. Last evaluated: 2025-08-27. Review status: criteria provided, single submitter. Criteria: Ambry Variant Classification Scheme 2023. Collection method: clinical testing. Allele origin: germline.
Comment: The p.V312G variant (also known as c.935T>G), located in coding exon 11 of the MUTYH gene, results from a T to G substitution at nucleotide position 935. The valine at codon 312 is replaced by glycine, an amino acid with dissimilar properties. This amino acid position is conserved. In addition, this alteration is predicted to be deleterious by in silico analysis. Based on the available evidence, the clinical significance of this variant remains unclear.